The following is an entry in ClinVar:

ClinVar aggregate classification (germline): Uncertain significance (1 of 4 stars; one submission).

Conditions:
SEMA3C-related disorder. Also called: SEMA3C-related condition.

gnomAD v4.1: 17 of 1,613,536 alleles (0.0011%); highest among the groups gnomAD compares: East Asian, 0.0067%; no homozygotes.

Submission:

PreventionGenetics, part of Exact Sciences
Classification: Uncertain significance for SEMA3C-related condition. Last evaluated: 2026-08-06. Review status: criteria provided, single submitter. Criteria: ACMG Guidelines, 2015. Collection method: clinical testing. Allele origin: germline.
Comment: The SEMA3C c.1465G>A variant is predicted to result in the amino acid substitution p.Glu489Lys. To our knowledge, this variant has not been reported in the literature. This variant is reported in 0.0050% of alleles in individuals of East Asian descent in gnomAD. At this time, the clinical significance of this variant is uncertain due to the absence of conclusive functional and genetic evidence.

NM_006379.5(SEMA3C):c.1411G>A (p.Glu471Lys)

Gene: SEMA3C (semaphorin 3C; minus strand). Cytogenetic location: 7q21.11.
Variant type: single nucleotide variant.
Coding change: c.1411G>A on transcript NM_006379.5 (MANE Select); coding-DNA position 1411, G replaced by A.
Protein change: p.Glu471Lys; replaces glutamic acid 471 with lysine.
Molecular consequence: missense variant.
Genome position (GRCh38, 1-based): chr7:80,765,187, C>T on the plus strand (G>A on the coding strand, the complement: SEMA3C is on the minus strand). VCF-style: chr7-80765187-C-T. GRCh37 (hg19) VCF-style: chr7-80394503-C-T.
Other names: c.1465G>A, p.Glu489Lys (NM_001350120.2); c.1237G>A, p.Glu413Lys (NM_001350121.2); short protein forms E413K, E471K, E489K.
Identifiers: ClinVar variation 4978661 (VCV004978661.1).